The following is an entry in ClinVar:

NM_000535.7(PMS2):c.778T>C (p.Ser260Pro)

Gene: PMS2 (PMS1 homolog 2, mismatch repair system component; minus strand). Cytogenetic location: 7p22.1.
Variant type: single nucleotide variant.
Coding change: c.778T>C on transcript NM_000535.7 (MANE Select); coding-DNA position 778, T replaced by C.
Protein change: p.Ser260Pro; replaces serine 260 with proline.
Molecular consequence: missense variant. On other transcripts: 5 prime UTR variant (2), non-coding transcript variant (1).
Genome position (GRCh38, 1-based): chr7:5,997,351, A>G on the plus strand (T>C on the coding strand, the complement: PMS2 is on the minus strand). VCF-style: chr7-5997351-A-G. GRCh37 (hg19) VCF-style: chr7-6036982-A-G.
Other names: c.373T>C, p.Ser125Pro (NM_001018040.1, NM_001322003.2, NM_001322004.2 and 20 more transcripts); c.778T>C, p.Ser260Pro (NM_001322006.2, NM_001322014.2, NM_001406870.1 and 3 more transcripts); c.460T>C, p.Ser154Pro (NM_001322007.2, NM_001322008.2, NM_001406876.1 and 4 more transcripts); c.-156T>C (NM_001322011.2, NM_001322012.2); c.205T>C, p.Ser69Pro (NM_001322013.2, NM_001406909.1); c.469T>C, p.Ser157Pro (NM_001322015.2, NM_001406875.1, NM_001406877.1 and 6 more transcripts); c.964T>C, p.Ser322Pro (NM_001406866.1); c.802T>C, p.Ser268Pro (NM_001406868.1); and 4 more; short protein forms S204P, S148P, S154P, S268P, S69P, S89P, S125P, S157P.
Identifiers: ClinVar variation 1760641 (VCV001760641.3), dbSNP rs1259974071, ClinGen allele CA366743651.

ClinVar aggregate classification (germline): Uncertain significance (1 of 4 stars; one submission).

Conditions:
Hereditary cancer-predisposing syndrome. Also called: Neoplastic Syndromes, Hereditary; Tumor predisposition; Hereditary Cancer Syndrome; Hereditary neoplastic syndrome. Identifiers: Orphanet 140162, MedGen C0027672, MeSH D009386, MONDO:0015356.

Submission:

Ambry Genetics
Classification: Uncertain significance for Hereditary cancer-predisposing syndrome. Last evaluated: 2025-10-29. Review status: criteria provided, single submitter. Criteria: Ambry Variant Classification Scheme 2023. Collection method: clinical testing. Allele origin: germline.
Comment: The p.S260P variant (also known as c.778T>C), located in coding exon 7 of the PMS2 gene, results from a T to C substitution at nucleotide position 778. The serine at codon 260 is replaced by proline, an amino acid with similar properties. This amino acid position is not well conserved in available vertebrate species. In addition, this alteration is predicted to be tolerated by in silico analysis. Based on the available evidence, the clinical significance of this variant remains unclear.